The following is an entry in ClinVar:

NM_015629.4(PRPF31):c.966T>C (p.Asp322=)

Gene: PRPF31 (pre-mRNA processing factor 31; plus strand). Cytogenetic location: 19q13.42.
Variant type: single nucleotide variant.
Coding change: c.966T>C on transcript NM_015629.4 (MANE Select); coding-DNA position 966, T replaced by C.
Protein change: p.Asp322=; no amino-acid change (aspartic acid 322 retained).
Molecular consequence: synonymous variant.
Genome position (GRCh38, 1-based): chr19:54,128,093, T>C. VCF-style: chr19-54128093-T-C. GRCh37 (hg19) VCF-style: chr19-54631468-T-C.
Other names: c.966T>C (NM_015629.3).
Identifiers: ClinVar variation 1529008 (VCV001529008.10), dbSNP rs369367985, ClinGen allele CA309329248.

ClinVar aggregate classification (germline): Likely benign. Review status: criteria provided, multiple submitters, no conflicts (2 of 4 stars). 3 submissions from 3 submitters: Likely benign (3). Last evaluated 2026-05-29.

Conditions:
PRPF31-related disorder. Also called: PRPF31-related condition.

Allele frequency attached by ClinVar (database versions not stated): gnomAD exomes below 0.00001 and 0.00003; ExAC 0.00005; gnomAD 0.00010 and 0.00011; TOPMed 0.00012; ESP Exome Variant Server 0.00041.
gnomAD v4.1: 22 of 1,548,772 alleles (0.0014%); highest among the groups gnomAD compares: African/African-American, 0.029%; no homozygotes.

Submissions (3):

PreventionGenetics, part of Exact Sciences
Classification: Likely benign for PRPF31-related condition. Last evaluated: 2026-05-29. Review status: criteria provided, single submitter. Criteria: ACMG Guidelines, 2015. Collection method: clinical testing. Allele origin: germline.
Comment: This variant is classified as likely benign based on ACMG/AMP sequence variant interpretation guidelines (Richards et al. 2015 PMID: 25741868, with internal and published modifications).

Labcorp Genetics (formerly Invitae), Labcorp
Classification: Likely benign. Last evaluated: 2026-01-07. Review status: criteria provided, single submitter. Criteria: Invitae Variant Classification Sherloc (09022015). Collection method: clinical testing. Allele origin: germline.

Blueprint Genetics
Classification: Likely benign. Last evaluated: 2022-07-22. Review status: criteria provided, single submitter. Criteria: ACMG Guidelines, 2015. Collection method: clinical testing. Allele origin: germline.